The following is an entry in ClinVar:

ClinVar aggregate classification (germline): Uncertain significance. Review status: criteria provided, multiple submitters, no conflicts (2 of 4 stars). 3 submissions from 3 submitters: Uncertain significance (3). Last evaluated 2025-04-01.

Conditions:
Inborn genetic diseases. Identifiers: MedGen C0950123, MeSH D030342.

Allele frequency attached by ClinVar (database versions not stated): ExAC 0.00001; gnomAD 0.00001; TOPMed 0.00005.
gnomAD v4.1: 10 of 1,606,934 alleles (0.00062%); highest among the groups gnomAD compares: African/African-American, 0.0027%; no homozygotes.

Submissions (3):

CeGaT Center for Human Genetics Tuebingen
Classification: Uncertain significance. Last evaluated: 2025-04-01. Review status: criteria provided, single submitter. Criteria: CeGaT Center For Human Genetics Tuebingen Variant Classification Criteria Version 2. Collection method: clinical testing. Allele origin: germline. Affected: yes. Observed: 1 variant allele.
Comment: RP1L1: PM2, BP4

Blueprint Genetics
Classification: Uncertain significance. Last evaluated: 2023-09-26. Review status: criteria provided, single submitter. Criteria: ACMG Guidelines, 2015. Collection method: clinical testing. Allele origin: germline.

Ambry Genetics
Classification: Uncertain significance for Inborn genetic diseases. Last evaluated: 2022-01-18. Review status: criteria provided, single submitter. Criteria: Ambry Variant Classification Scheme 2023. Collection method: clinical testing. Allele origin: germline.

NM_178857.6(RP1L1):c.817C>T (p.Arg273Trp)

Gene: RP1L1 (RP1 like 1). Cytogenetic location: 8p23.1.
Variant type: single nucleotide variant.
Coding change: c.817C>T on transcript NM_178857.6 (MANE Select); coding-DNA position 817, C replaced by T.
Protein change: p.Arg273Trp; replaces arginine 273 with tryptophan.
Molecular consequence: missense variant.
Genome position (GRCh38, 1-based): chr8:10,613,281, G>A on the plus strand (C>T on the coding strand, the complement: RP1L1 is on the minus strand). VCF-style: chr8-10613281-G-A. GRCh37 (hg19) VCF-style: chr8-10470791-G-A.
Other names: short protein forms R273W.
Identifiers: ClinVar variation 2271986 (VCV002271986.10), dbSNP rs767430743, ClinGen allele CA4625437.